The following is an entry in ClinVar:

NM_000536.4(RAG2):c.647T>A (p.Ile216Asn)

Gene: RAG2 (recombination activating 2; minus strand). Cytogenetic location: 11p12.
Variant type: single nucleotide variant.
Coding change: c.647T>A on transcript NM_000536.4 (MANE Select); coding-DNA position 647, T replaced by A.
Protein change: p.Ile216Asn; replaces isoleucine 216 with asparagine.
Molecular consequence: missense variant.
Genome position (GRCh38, 1-based): chr11:36,593,522, A>T on the plus strand (T>A on the coding strand, the complement: RAG2 is on the minus strand). VCF-style: chr11-36593522-A-T. GRCh37 (hg19) VCF-style: chr11-36615072-A-T.
Other names: c.647T>A, p.Ile216Asn (NM_001243785.2, NM_001243786.2); short protein forms I216N.
Identifiers: ClinVar variation 1395140 (VCV001395140.5), dbSNP rs2133314014, ClinGen allele CA380142407.

ClinVar aggregate classification (germline): Uncertain significance (1 of 4 stars; one submission).

Conditions:
Combined immunodeficiency with skin granulomas. Identifiers: Orphanet 157949, MedGen C2673536, MONDO:0009306, OMIM 233650.
Severe combined immunodeficiency, autosomal recessive, T cell-negative, B cell-negative, NK cell-positive. Also called: SCID, AR, T-cell negative, B-cell negative, NK cell-positive; Severe combined immunodeficiency due to complete RAG1/2 deficiency; SCID, T CELL-NEGATIVE, B CELL-NEGATIVE, NK CELL-POSITIVE. Identifiers: Orphanet 331206, MedGen C1832322, MONDO:0011086, OMIM 601457.

Submission:

Labcorp Genetics (formerly Invitae), Labcorp
Classification: Uncertain significance for Combined immunodeficiency with skin granulomas; Severe combined immunodeficiency, autosomal recessive, T cell-negative, B cell-negative, NK cell-positive. Last evaluated: 2021-09-01. Review status: criteria provided, single submitter. Criteria: Invitae Variant Classification Sherloc (09022015). Collection method: clinical testing. Allele origin: germline.
Comment: This sequence change replaces isoleucine with asparagine at codon 216 of the RAG2 protein (p.Ile216Asn). The isoleucine residue is moderately conserved and there is a large physicochemical difference between isoleucine and asparagine. This variant is not present in population databases (ExAC no frequency). This variant has not been reported in the literature in individuals affected with RAG2-related conditions. Advanced modeling of protein sequence and biophysical properties (such as structural, functional, and spatial information, amino acid conservation, physicochemical variation, residue mobility, and thermodynamic stability) performed at Invitae indicates that this missense variant is expected to disrupt RAG2 protein function. In summary, the available evidence is currently insufficient to determine the role of this variant in disease. Therefore, it has been classified as a Variant of Uncertain Significance.